The following is an entry in ClinVar:

ClinVar aggregate classification (germline): Conflicting classifications of pathogenicity. Review status: criteria provided, conflicting classifications (1 of 4 stars). 8 submissions from 8 submitters: Uncertain significance (6); Likely benign (2). Last evaluated 2025-11-11.

Conditions:
Neurofibromatosis-Noonan syndrome (NFNS). Also called: NEUROFIBROMATOSIS WITH NOONAN PHENOTYPE. Identifiers: Orphanet 638, MedGen C2931482, MONDO:0011035, OMIM 601321. Disease mechanism: loss of function.
Café-au-lait macules with pulmonary stenosis (WTSN). Also called: PULMONIC STENOSIS WITH CAFE-AU-LAIT SPOTS. Identifiers: MedGen C0553586, MONDO:0008672, OMIM 193520.
Neurofibromatosis, type 1 (NF1). Also called: NEUROFIBROMATOSIS, TYPE I, SOMATIC; Peripheral type neurofibromatosis; Neurofibromatosis, type I; VON RECKLINGHAUSEN DISEASE. Identifiers: Orphanet 636, MedGen C0027831, MONDO:0018975, OMIM 162200. Disease mechanism: loss of function.
Juvenile myelomonocytic leukemia (JMML). Also called: LEUKEMIA, JUVENILE MYELOMONOCYTIC, SOMATIC. Identifiers: Orphanet 86834, MedGen C0349639, MONDO:0011908, OMIM 607785, HP:0012209.
Neurofibromatosis, familial spinal (FSNF). Identifiers: Orphanet 636, MedGen C1834235, MONDO:0008078, OMIM 162210. Disease mechanism: loss of function.
Hereditary cancer-predisposing syndrome. Also called: Neoplastic Syndromes, Hereditary; Hereditary neoplastic syndrome; Tumor predisposition; Hereditary Cancer Syndrome. Identifiers: Orphanet 140162, MedGen C0027672, MeSH D009386, MONDO:0015356.
Cardiovascular phenotype. Identifiers: MedGen CN230736.

Allele frequency attached by ClinVar (database versions not stated): gnomAD exomes below 0.00001 and 0.00002; TOPMed below 0.00001; gnomAD 0.00001; ExAC 0.00002.
gnomAD v4.1: 5 of 1,613,834 alleles (0.00031%); highest among the groups gnomAD compares: Admixed American, 0.0033%; no homozygotes.

Submissions (8):

Labcorp Genetics (formerly Invitae), Labcorp
Classification: Likely benign for Neurofibromatosis, type 1. Last evaluated: 2025-11-11. Review status: criteria provided, single submitter. Criteria: Invitae Variant Classification Sherloc (09022015). Collection method: clinical testing. Allele origin: germline.

CeGaT Center for Human Genetics Tuebingen
Classification: Likely benign. Last evaluated: 2025-05-01. Review status: criteria provided, single submitter. Criteria: CeGaT Center For Human Genetics Tuebingen Variant Classification Criteria Version 2. Collection method: clinical testing. Allele origin: germline. Affected: yes. Observed: 1 variant allele.
Comment: NF1: PP2, BS1

GeneDx
Classification: Uncertain significance. Last evaluated: 2024-08-15. Review status: criteria provided, single submitter. Criteria: GeneDx Variant Classification Process June 2021. Collection method: clinical testing. Allele origin: germline. Affected: yes.
Comment: Reported as p.(Gly2379Arg) in an individual with pheochromocytoma who also had a somatic variant in the H3-3A gene identified (PMID: 36760809); In silico analysis supports that this missense variant has a deleterious effect on protein structure/function; This variant is associated with the following publications: (PMID: 25486365, 30287823, 33471991, 36760809)

Fulgent Genetics
Classification: Uncertain significance for Neurofibromatosis, type 1; Neurofibromatosis, familial spinal; Café-au-lait macules with pulmonary stenosis; Neurofibromatosis-Noonan syndrome; Juvenile myelomonocytic leukemia. Last evaluated: 2024-03-18. Review status: criteria provided, single submitter. Criteria: ACMG Guidelines, 2015. Collection method: clinical testing. Allele origin: germline.

Ambry Genetics
Classification: Uncertain significance for Cardiovascular phenotype; Hereditary cancer-predisposing syndrome. Last evaluated: 2023-07-10. Review status: criteria provided, single submitter. Criteria: Ambry Variant Classification Scheme 2023. Collection method: clinical testing. Allele origin: germline.
Comment: The p.G2358R variant (also known as c.7072G>A), located in coding exon 47 of the NF1 gene, results from a G to A substitution at nucleotide position 7072. The glycine at codon 2358 is replaced by arginine, an amino acid with dissimilar properties. This alteration was observed in 0/7,051 unselected female breast cancer patients and was observed with an allele frequency of 0.00009 in 11,241 female controls of Japanese ancestry (Momozawa Y et al. Nat Commun, 2018 10;9:4083). This variant was also reported in 1/60,466 breast cancer cases and in 1/53,461 controls (Dorling et al. N Engl J Med. 2021 02;384:428-439). This amino acid position is highly conserved in available vertebrate species. In addition, this alteration is predicted to be deleterious by in silico analysis. Since supporting evidence is limited at this time, the clinical significance of this alteration remains unclear.

St. Jude Molecular Pathology, St. Jude Children's Research Hospital
Classification: Uncertain significance for Neurofibromatosis, type 1. Last evaluated: 2022-07-12. Review status: criteria provided, single submitter. Criteria: St. Jude Assertion Criteria 2020. Collection method: clinical testing. Allele origin: germline.
Comment: The NF1 c.7072G>A (p.Gly2358Arg) missense change has a maximum subpopulation frequency of 0.00088% in gnomAD v2.1.1. The in silico tool REVEL is inconclusive about a pathogenic or benign effect of this variant on protein function, and to our knowledge functional studies have not been performed. This variant occurs in a gene where missense variants are more likely to be damaging based on methods described by Lek et al. (PP2; PMID: 27535533). To our knowledge, this variant has not been reported in individuals with Neurofibromatosis type 1. In summary, the evidence currently available is insufficient to determine the clinical significance of this variant. It has therefore been classified as of uncertain significance.

Genome-Nilou Lab
Classification: Uncertain significance for Neurofibromatosis, type 1. Last evaluated: 2022-03-15. Review status: criteria provided, single submitter. Criteria: ACMG Guidelines, 2015. Collection method: clinical testing. Allele origin: germline. Affected: no.

ARUP Laboratories, Molecular Genetics and Genomics, ARUP Laboratories
Classification: Uncertain significance. Last evaluated: 2021-04-05. Review status: criteria provided, single submitter. Criteria: ARUP Molecular Germline Variant Investigation Process 2021. Collection method: clinical testing. Allele origin: germline.
Comment: The NF1 c.7135G>A; p.Gly2379Arg variant (rs775476318), also known as c.7072G>A; p.Gly2358Arg for NM_000267.3, to our knowledge, is not reported in the medical literature in association with NF1-related disease but is reported in ClinVar (Variation ID: 404531). This variant is found in the general population with an allele frequency of 0.0016% (4/251,372 alleles) in the Genome Aggregation Database. The glycine at codon 2379 is highly conserved, but computational analyses are uncertain whether this variant is neutral or deleterious (REVEL: 0.609). Due to limited information, the clinical significance of the p.Gly2379Arg variant is uncertain at this time.

NM_001042492.3(NF1):c.7135G>A (p.Gly2379Arg)

Gene: NF1 (neurofibromin 1; plus strand). Cytogenetic location: 17q11.2.
Variant type: single nucleotide variant.
Coding change: c.7135G>A on transcript NM_001042492.3 (MANE Select); coding-DNA position 7135, G replaced by A.
Protein change: p.Gly2379Arg; replaces glycine 2379 with arginine.
Molecular consequence: missense variant.
Genome position (GRCh38, 1-based): chr17:31,343,081, G>A. VCF-style: chr17-31343081-G-A. GRCh37 (hg19) VCF-style: chr17-29670099-G-A.
Other names: c.7072G>A, p.Gly2358Arg (NM_000267.4); short protein forms G2379R, G2358R.
Identifiers: ClinVar variation 404531 (VCV000404531.72), dbSNP rs775476318, ClinGen allele CA8487502.